The following is an entry in ClinVar:

NM_032242.4(PLXNA1):c.55C>T (p.Leu19=)

Gene: PLXNA1 (plexin A1; plus strand). Cytogenetic location: 3q21.3.
Variant type: single nucleotide variant.
Coding change: c.55C>T on transcript NM_032242.4 (MANE Select); coding-DNA position 55, C replaced by T.
Protein change: p.Leu19=; no amino-acid change (leucine 19 retained).
Molecular consequence: synonymous variant.
Genome position (GRCh38, 1-based): chr3:126,988,648, C>T. VCF-style: chr3-126988648-C-T. GRCh37 (hg19) VCF-style: chr3-126707491-C-T.
Identifiers: ClinVar variation 3354277 (VCV003354277.1).

ClinVar aggregate classification (germline): Likely benign (0 of 4 stars; one submission).

Conditions:
PLXNA1-related disorder. Also called: PLXNA1-related condition.

gnomAD v4.1: 1 of 1,578,548 alleles (0.000063%); highest among the groups gnomAD compares: Non-Finnish European, 0.000086%; no homozygotes.

Submission:

PreventionGenetics, part of Exact Sciences
Classification: Likely benign for PLXNA1-related condition. Last evaluated: 2022-10-20. Review status: no assertion criteria provided. Collection method: clinical testing. Allele origin: germline.
Comment: This variant is classified as likely benign based on ACMG/AMP sequence variant interpretation guidelines (Richards et al. 2015 PMID: 25741868, with internal and published modifications).